The following is an entry in ClinVar:

ClinVar aggregate classification (germline): Pathogenic (1 of 4 stars; one submission).

Conditions:
Autosomal recessive polycystic kidney disease (ARPKD). Also called: AR polycystic kidney disease. Identifiers: Orphanet 731, Orphanet 8378, MedGen C0085548, MeSH D017044, MONDO:0009889.

Submission:

Labcorp Genetics (formerly Invitae), Labcorp
Classification: Pathogenic for Autosomal recessive polycystic kidney disease. Last evaluated: 2015-09-30. Review status: criteria provided, single submitter. Criteria: Invitae Variant Classification Sherloc (09022015). Collection method: clinical testing. Allele origin: germline.
Comment: This sequence change is a gross deletion of the genomic region encompassing exon 51 of the PKHD1 gene. For these reasons, this variant has been classified as Pathogenic.

NM_138694.3(PKHD1):c.8108-?_8173+?del

Gene: PKHD1 (PKHD1 ciliary IPT domain containing fibrocystin/polyductin; minus strand).
Variant type: Deletion.
Coding change: c.8108-?_8173+?del on transcript NM_138694.3.
Identifiers: ClinVar variation 220428 (VCV000220428.1).